The following is an entry in ClinVar:

NM_182760.4(SUMF1):c.860A>G (p.Asn287Ser)

Gene: SUMF1 (sulfatase modifying factor 1; minus strand). Cytogenetic location: 3p26.1.
Variant type: single nucleotide variant.
Coding change: c.860A>G on transcript NM_182760.4 (MANE Select); coding-DNA position 860, A replaced by G.
Protein change: p.Asn287Ser; replaces asparagine 287 with serine.
Molecular consequence: missense variant.
Genome position (GRCh38, 1-based): chr3:4,410,959, T>C on the plus strand (A>G on the coding strand, the complement: SUMF1 is on the minus strand). VCF-style: chr3-4410959-T-C. GRCh37 (hg19) VCF-style: chr3-4452643-T-C.
Other names: c.785A>G, p.Asn262Ser (NM_001164674.2); c.860A>G, p.Asn287Ser (NM_001164675.2); short protein forms N262S, N287S.
Identifiers: ClinVar variation 2198705 (VCV002198705.1), dbSNP rs766298096, ClinGen allele CA2230417.

ClinVar aggregate classification (germline): Uncertain significance (1 of 4 stars; one submission).

Conditions:
Multiple sulfatase deficiency (MSD). Also called: Multiple Sulfatase Deficiency Disease; Sulfatidosis, Juvenile, Austin Type; Mucosulfatidosis. Identifiers: Orphanet 585, MedGen C0268263, MONDO:0010088, OMIM 272200.

Allele frequency attached by ClinVar (database versions not stated): ExAC 0.00001.
gnomAD v4.1: 5 of 1,613,976 alleles (0.00031%); highest among the groups gnomAD compares: Non-Finnish European, 0.00042%; no homozygotes.

Submission:

Labcorp Genetics (formerly Invitae), Labcorp
Classification: Uncertain significance for Multiple sulfatase deficiency. Last evaluated: 2022-09-01. Review status: criteria provided, single submitter. Criteria: Invitae Variant Classification Sherloc (09022015). Collection method: clinical testing. Allele origin: germline.
Comment: This sequence change replaces asparagine, which is neutral and polar, with serine, which is neutral and polar, at codon 287 of the SUMF1 protein (p.Asn287Ser). This variant is present in population databases (rs766298096, gnomAD 0.002%). This variant has not been reported in the literature in individuals affected with SUMF1-related conditions. Algorithms developed to predict the effect of missense changes on protein structure and function (SIFT, PolyPhen-2, Align-GVGD) all suggest that this variant is likely to be disruptive. Algorithms developed to predict the effect of sequence changes on RNA splicing suggest that this variant may create or strengthen a splice site. In summary, the available evidence is currently insufficient to determine the role of this variant in disease. Therefore, it has been classified as a Variant of Uncertain Significance.